The following is an entry in ClinVar:

NM_001365951.3(KIF1B):c.2115+7148C>T

Gene: KIF1B (kinesin family member 1B; plus strand). Cytogenetic location: 1p36.22.
Variant type: single nucleotide variant.
Coding change: c.2115+7148C>T on transcript NM_001365951.3 (MANE Select); 7148 bases into the intron after coding-DNA position 2115, C replaced by T.
Molecular consequence: intron variant. On other transcripts: missense variant (2).
Genome position (GRCh38, 1-based): chr1:10,304,394, C>T. VCF-style: chr1-10304394-C-T. GRCh37 (hg19) VCF-style: chr1-10364452-C-T.
Other names: c.3209C>T, p.Ala1070Val (NM_001365953.1, NM_183416.4); c.1977+7148C>T (NM_015074.3); c.2115+7148C>T (NM_001365952.1); short protein forms A1070V.
Identifiers: ClinVar variation 2920961 (VCV002920961.1), dbSNP rs768176241, ClinGen allele CA581395.

ClinVar aggregate classification (germline): Uncertain significance (1 of 4 stars; one submission).

Allele frequency attached by ClinVar (database versions not stated): TOPMed below 0.00001; gnomAD 0.00001; ExAC 0.00002; gnomAD exomes 0.00002.
gnomAD v4.1: 34 of 1,614,058 alleles (0.0021%); highest among the groups gnomAD compares: South Asian, 0.0077%; no homozygotes.

Submission:

ARUP Laboratories, Molecular Genetics and Genomics, ARUP Laboratories
Classification: Uncertain significance. Last evaluated: 2023-07-13. Review status: criteria provided, single submitter. Criteria: ARUP Molecular Germline Variant Investigation Process 2024. Collection method: clinical testing. Allele origin: germline.
Comment: The KIF1B c.3209C>T; p.Ala1070Val variant (rs768176241), to our knowledge, is not reported in the medical literature or gene specific databases. This variant is observed in the general population with an overall allele frequency of 0.002% (5/282428 alleles) in the Genome Aggregation Database. Computational analyses predict that this variant is tolerated (REVEL: 0.132). Due to limited information, the clinical significance of this variant is uncertain at this time.